The following is an entry in ClinVar:

ClinVar aggregate classification (germline): Uncertain significance (0 of 4 stars; one submission).

Conditions:
A2ML1-related disorder. Also called: A2ML1-related condition.

Submission:

PreventionGenetics, part of Exact Sciences
Classification: Uncertain significance for A2ML1-related condition. Last evaluated: 2024-03-08. Review status: no assertion criteria provided. Collection method: clinical testing. Allele origin: germline.
Comment: The A2ML1 c.1006delT variant is predicted to result in a frameshift and premature protein termination (p.Ser336Leufs*7). To our knowledge, this variant has not been reported in the literature. Other rare nonsense variants in this gene have been reported to significantly increase susceptibility to otitis media (Santos-Cortez et al. 2015. PubMed ID: 26121085). However, to date, the evidence supporting the role of A2ML1 in Noonan syndrome is limited. A majority of the variants reported are at frequencies that are likely too high to be a primary cause of disease or have limited functional data. This variant is reported in 0.0065% of alleles in individuals of African descent in gnomAD. Although we suspect that this variant may be pathogenic, at this time, the clinical significance of this variant is uncertain due to the absence of conclusive functional and genetic evidence.

NM_144670.6(A2ML1):c.1006del (p.Ser336fs)

Gene: A2ML1 (alpha-2-macroglobulin like 1; plus strand). Cytogenetic location: 12p13.31.
Variant type: Deletion.
Coding change: c.1006del on transcript NM_144670.6 (MANE Select); coding-DNA position 1006, one base deleted (T; older notation c.1006delT).
Protein change: p.Ser336fs; shifts the reading frame from serine 336.
Molecular consequence: frameshift variant.
Genome position (GRCh38, 1-based): chr12:8,839,148, T deleted; the last of 3 consecutive T bases (chr12:8,839,146-8,839,148); deleting any one gives the same sequence. VCF-style (leftmost placement, unchanged base first): chr12-8839145-AT-A. GRCh37 (hg19) VCF-style: chr12-8991741-AT-A.
Other names: short protein forms S336fs.
Identifiers: ClinVar variation 3356791 (VCV003356791.1).